The following is an entry in ClinVar:

NM_001351132.2(PEX5):c.1913C>T (p.Pro638Leu)

Gene: PEX5 (peroxisomal biogenesis factor 5; plus strand). Cytogenetic location: 12p13.31.
Variant type: single nucleotide variant.
Coding change: c.1913C>T on transcript NM_001351132.2 (MANE Select); coding-DNA position 1913, C replaced by T.
Protein change: p.Pro638Leu; replaces proline 638 with leucine.
Molecular consequence: missense variant.
Genome position (GRCh38, 1-based): chr12:7,210,216, C>T. VCF-style: chr12-7210216-C-T. GRCh37 (hg19) VCF-style: chr12-7362812-C-T.
Other names: c.1889C>T, p.Pro630Leu (NM_000319.5); c.1958C>T, p.Pro653Leu (NM_001131023.2); c.1802C>T, p.Pro601Leu (NM_001131024.2, NM_001351124.3, NM_001351126.2 and 7 more transcripts); c.1913C>T, p.Pro638Leu (NM_001131025.2, NM_001131026.2, NM_001300789.3 and 4 more transcripts); c.1847C>T, p.Pro616Leu (NM_001351135.3, NM_001351138.2); c.1904C>T, p.Pro635Leu (NM_001351136.2); c.1778C>T, p.Pro593Leu (NM_001351139.2, NM_001351140.2, NM_001374649.2); c.1913C>T (NM_001131025.1); short protein forms P593L, P601L, P616L, P638L, P653L, P635L, P630L.
Identifiers: ClinVar variation 1440310 (VCV001440310.6), dbSNP rs138706552, ClinGen allele CA383741034.

ClinVar aggregate classification (germline): Uncertain significance. Review status: criteria provided, single submitter (1 of 4 stars). 2 submissions from 2 submitters: Uncertain significance (1). 1 of the submissions does not count toward it. Last evaluated 2024-11-11.

Conditions:
Peroxisome biogenesis disorder 2B (PBD2B). Identifiers: Orphanet 44, MedGen C3550234, MONDO:0008736, OMIM 202370.
PEX5-related disorder. Also called: PEX5-Related Disorders; PEX5-related condition.

gnomAD v4.1: 2 of 1,614,042 alleles (0.00012%); highest among the groups gnomAD compares: Admixed American, 0.0017%; no homozygotes.

Submissions (2):

Labcorp Genetics (formerly Invitae), Labcorp
Classification: Uncertain significance for Peroxisome biogenesis disorder 2B. Last evaluated: 2024-11-11. Review status: criteria provided, single submitter. Criteria: Invitae Variant Classification Sherloc (09022015). Collection method: clinical testing. Allele origin: germline.
Comment: This sequence change replaces proline, which is neutral and non-polar, with leucine, which is neutral and non-polar, at codon 638 of the PEX5 protein (p.Pro638Leu). This variant is present in population databases (no rsID available, gnomAD no frequency). This variant has not been reported in the literature in individuals affected with PEX5-related conditions. ClinVar contains an entry for this variant (Variation ID: 1440310). An algorithm developed to predict the effect of missense changes on protein structure and function (PolyPhen-2) suggests that this variant is likely to be tolerated. In summary, the available evidence is currently insufficient to determine the role of this variant in disease. Therefore, it has been classified as a Variant of Uncertain Significance.

PreventionGenetics, part of Exact Sciences
Classification: Uncertain significance for PEX5-related condition. Last evaluated: 2024-08-15. Review status: no assertion criteria provided. Collection method: clinical testing. Allele origin: germline. Not counted in ClinVar's aggregate classification.
Comment: The PEX5 c.1913C>T variant is predicted to result in the amino acid substitution p.Pro638Leu. To our knowledge, this variant has not been reported in the literature. This variant is reported in 0.0013 % of alleles in individuals of African descent in gnomAD. At this time, the clinical significance of this variant is uncertain due to the absence of conclusive functional and genetic evidence.